The following is an entry in ClinVar:

ClinVar aggregate classification (germline): Uncertain significance (1 of 4 stars; one submission).

Conditions:
Methylmalonic acidemia with homocystinuria, type cblJ (MAHCJ). Also called: METHYLMALONIC ACIDURIA AND HOMOCYSTINURIA, cblJ TYPE. Identifiers: Orphanet 369955, MedGen C3553915, MONDO:0013925, OMIM 614857.

Allele frequency attached by ClinVar (database versions not stated): ExAC 0.00002; gnomAD 0.00007; TOPMed 0.00007; ESP Exome Variant Server 0.00008.
gnomAD v4.1: 186 of 1,612,384 alleles (0.012%); highest among the groups gnomAD compares: Non-Finnish European, 0.014%; no homozygotes.

Submission:

Labcorp Genetics (formerly Invitae), Labcorp
Classification: Uncertain significance for Methylmalonic acidemia with homocystinuria, type cblJ. Last evaluated: 2024-12-04. Review status: criteria provided, single submitter. Criteria: Invitae Variant Classification Sherloc (09022015). Collection method: clinical testing. Allele origin: germline.
Comment: This sequence change replaces aspartic acid, which is acidic and polar, with asparagine, which is neutral and polar, at codon 484 of the ABCD4 protein (p.Asp484Asn). This variant is present in population databases (rs374372200, gnomAD 0.007%). This variant has not been reported in the literature in individuals affected with ABCD4-related conditions. ClinVar contains an entry for this variant (Variation ID: 2068405). Invitae Evidence Modeling of protein sequence and biophysical properties (such as structural, functional, and spatial information, amino acid conservation, physicochemical variation, residue mobility, and thermodynamic stability) indicates that this missense variant is not expected to disrupt ABCD4 protein function with a negative predictive value of 95%. In summary, the available evidence is currently insufficient to determine the role of this variant in disease. Therefore, it has been classified as a Variant of Uncertain Significance.

NM_005050.4(ABCD4):c.1450G>A (p.Asp484Asn)

Gene: ABCD4 (ATP binding cassette subfamily D member 4; minus strand). Cytogenetic location: 14q24.3.
Variant type: single nucleotide variant.
Coding change: c.1450G>A on transcript NM_005050.4 (MANE Select); coding-DNA position 1450, G replaced by A.
Protein change: p.Asp484Asn; replaces aspartic acid 484 with asparagine.
Molecular consequence: missense variant. On other transcripts: non-coding transcript variant (10).
Genome position (GRCh38, 1-based): chr14:74,289,489, C>T on the plus strand (G>A on the coding strand, the complement: ABCD4 is on the minus strand). VCF-style: chr14-74289489-C-T. GRCh37 (hg19) VCF-style: chr14-74756192-C-T.
Other names: c.1324G>A, p.Asp442Asn (NM_001353591.2, NM_001353592.2); c.1189G>A, p.Asp397Asn (NM_001353593.2); c.1138G>A, p.Asp380Asn (NM_001353594.2); c.1036G>A, p.Asp346Asn (NM_001353595.2, NM_001353596.2); c.985G>A, p.Asp329Asn (NM_001353597.2); c.973G>A, p.Asp325Asn (NM_001353598.2, NM_001353599.2, NM_001353600.2 and 2 more transcripts); c.661G>A, p.Asp221Asn (NM_001353602.2, NM_001353603.2, NM_001353604.2 and 6 more transcripts); c.1321G>A, p.Asp441Asn (NM_020323.1); and 1 more; short protein forms D397N, D325N, D346N, D221N, D329N, D380N, D441N, D442N.
Identifiers: ClinVar variation 2068405 (VCV002068405.2), dbSNP rs374372200, ClinGen allele CA7266784.